The following is an entry in ClinVar:

ClinVar aggregate classification (germline): Uncertain significance (1 of 4 stars; one submission).

Conditions:
Dyskeratosis congenita, autosomal dominant 2. Identifiers: MedGen C3151443, MONDO:0013521, OMIM 613989.
Idiopathic Pulmonary Fibrosis. Also called: Idiopathic fibrosing alveolitis, chronic form; idiopathic fibrosing alveolitis. Identifiers: Orphanet 2032, MedGen C1800706, MeSH D054990, MONDO:0800504.

Submission:

Labcorp Genetics (formerly Invitae), Labcorp
Classification: Uncertain significance for Dyskeratosis congenita, autosomal dominant 2; Idiopathic Pulmonary Fibrosis. Last evaluated: 2019-11-25. Review status: criteria provided, single submitter. Criteria: Invitae Variant Classification Sherloc (09022015). Collection method: clinical testing. Allele origin: germline.
Comment: In summary, the available evidence is currently insufficient to determine the role of this variant in disease. Therefore, it has been classified as a Variant of Uncertain Significance. Algorithms developed to predict the effect of missense changes on protein structure and function are either unavailable or do not agree on the potential impact of this missense change (SIFT: "Tolerated"; PolyPhen-2: "Possibly Damaging"; Align-GVGD: "Class C0"). This variant has not been reported in the literature in individuals with TERT-related conditions. This variant is not present in population databases (ExAC no frequency). This sequence change replaces histidine with tyrosine at codon 816 of the TERT protein (p.His816Tyr). The histidine residue is weakly conserved and there is a moderate physicochemical difference between histidine and tyrosine.

NM_198253.3(TERT):c.2446C>T (p.His816Tyr)

Gene: TERT (telomerase reverse transcriptase; minus strand). Cytogenetic location: 5p15.33.
Variant type: single nucleotide variant.
Coding change: c.2446C>T on transcript NM_198253.3 (MANE Select); coding-DNA position 2446, C replaced by T.
Protein change: p.His816Tyr; replaces histidine 816 with tyrosine.
Molecular consequence: missense variant.
Genome position (GRCh38, 1-based): chr5:1,271,141, G>A on the plus strand (C>T on the coding strand, the complement: TERT is on the minus strand). VCF-style: chr5-1271141-G-A. GRCh37 (hg19) VCF-style: chr5-1271256-G-A.
Other names: c.2446C>T, p.His816Tyr (NM_001193376.3); short protein forms H816Y.
Identifiers: ClinVar variation 854731 (VCV000854731.10), dbSNP rs1579563373, ClinGen allele CA359075697.